The following is an entry in ClinVar:

NM_000038.6(APC):c.6560G>C (p.Gly2187Ala)

Gene: APC (APC regulator of Wnt signaling pathway; plus strand). Cytogenetic location: 5q22.2.
Variant type: single nucleotide variant.
Coding change: c.6560G>C on transcript NM_000038.6 (MANE Select); coding-DNA position 6560, G replaced by C.
Protein change: p.Gly2187Ala; replaces glycine 2187 with alanine.
Molecular consequence: missense variant.
Genome position (GRCh38, 1-based): chr5:112,842,154, G>C. VCF-style: chr5-112842154-G-C. GRCh37 (hg19) VCF-style: chr5-112177851-G-C.
Other names: c.6560G>C, p.Gly2187Ala (NM_001127510.3, NM_001354895.2, NM_001407450.1); c.6506G>C, p.Gly2169Ala (NM_001127511.3); c.6614G>C, p.Gly2205Ala (NM_001354896.2, NM_001407447.1, NM_001407448.1 and 1 more transcripts); c.6590G>C, p.Gly2197Ala (NM_001354897.2); c.6485G>C, p.Gly2162Ala (NM_001354898.2); c.6476G>C, p.Gly2159Ala (NM_001354899.2); c.6437G>C, p.Gly2146Ala (NM_001354900.2); c.6383G>C, p.Gly2128Ala (NM_001354901.2, NM_001407453.1); and 12 more; short protein forms G2128A, G2197A, G2205A, G1904A, G2027A, G2086A, G2096A, G2159A.
Identifiers: ClinVar variation 2201737 (VCV002201737.6), dbSNP rs146695342, ClinGen allele CA16035684.

ClinVar aggregate classification (germline): Uncertain significance. Review status: criteria provided, multiple submitters, no conflicts (2 of 4 stars). 4 submissions from 4 submitters: Uncertain significance (4). Last evaluated 2026-05-04.

Conditions:
Hereditary cancer-predisposing syndrome. Also called: Tumor predisposition; Hereditary Cancer Syndrome; Hereditary neoplastic syndrome; Neoplastic Syndromes, Hereditary. Identifiers: Orphanet 140162, MedGen C0027672, MeSH D009386, MONDO:0015356.
Familial adenomatous polyposis 1 (FAP1). Also called: FAMILIAL ADENOMATOUS POLYPOSIS 1, ATTENUATED; POLYPOSIS, ADENOMATOUS INTESTINAL. Identifiers: MedGen C2713442, MONDO:0021056, OMIM 175100. Disease mechanism: loss of function.

Submissions (4):

Ambry Genetics
Classification: Uncertain significance for Hereditary cancer-predisposing syndrome. Last evaluated: 2026-05-04. Review status: criteria provided, single submitter. Criteria: Ambry Variant Classification Scheme 2023. Collection method: clinical testing. Allele origin: germline.
Comment: The p.G2187A variant (also known as c.6560G>C), located in coding exon 15 of the APC gene, results from a G to C substitution at nucleotide position 6560. The glycine at codon 2187 is replaced by alanine, an amino acid with similar properties. This amino acid position is conserved. In addition, in silico predictors for this gene do not accurately predict pathogenicity. Based on the available evidence, the clinical significance of this variant remains unclear.

Color Diagnostics, LLC DBA Color Health
Classification: Uncertain significance for Hereditary cancer-predisposing syndrome. Last evaluated: 2025-09-05. Review status: criteria provided, single submitter. Criteria: ACMG Guidelines, 2015. Collection method: clinical testing. Allele origin: germline.
Comment: This missense variant replaces glycine with alanine at codon 2187 of the APC protein. Computational prediction suggests that this variant may not impact protein structure and function. To our knowledge, functional studies have not been reported for this variant. This variant has not been reported in individuals affected with APC-related disorders in the literature. This variant has not been identified in the general population by the Genome Aggregation Database (gnomAD). The available evidence is insufficient to determine the role of this variant in disease conclusively. Therefore, this variant is classified as a Variant of Uncertain Significance.

Baylor Genetics
Classification: Uncertain significance for Familial adenomatous polyposis 1. Last evaluated: 2023-10-06. Review status: criteria provided, single submitter. Criteria: ACMG Guidelines, 2015. Collection method: clinical testing. Allele origin: unknown.

Labcorp Genetics (formerly Invitae), Labcorp
Classification: Uncertain significance for Familial adenomatous polyposis 1. Last evaluated: 2023-04-03. Review status: criteria provided, single submitter. Criteria: Invitae Variant Classification Sherloc (09022015). Collection method: clinical testing. Allele origin: germline.
Comment: Advanced modeling of protein sequence and biophysical properties (such as structural, functional, and spatial information, amino acid conservation, physicochemical variation, residue mobility, and thermodynamic stability) performed at Invitae indicates that this missense variant is not expected to disrupt APC protein function. In summary, the available evidence is currently insufficient to determine the role of this variant in disease. Therefore, it has been classified as a Variant of Uncertain Significance. This variant has not been reported in the literature in individuals affected with APC-related conditions. ClinVar contains an entry for this variant (Variation ID: 2201737). This variant is not present in population databases (gnomAD no frequency). This sequence change replaces glycine, which is neutral and non-polar, with alanine, which is neutral and non-polar, at codon 2187 of the APC protein (p.Gly2187Ala).